The following is an entry in ClinVar:

ClinVar aggregate classification (germline): Uncertain significance (1 of 4 stars; one submission).

Conditions:
Short-rib thoracic dysplasia 8 with or without polydactyly (SRTD8). Also called: SHORT-RIB THORACIC DYSPLASIA 8 WITH POLYDACTYLY. Identifiers: Orphanet 93271, MedGen C3809691, MONDO:0014214, OMIM 615503.

Allele frequency attached by ClinVar (database versions not stated): gnomAD exomes below 0.00001.
gnomAD v4.1: 3 of 1,612,612 alleles (0.00019%); highest among the groups gnomAD compares: Non-Finnish European, 0.000085%; no homozygotes.

Submission:

Labcorp Genetics (formerly Invitae), Labcorp
Classification: Uncertain significance for Short-rib thoracic dysplasia 8 with or without polydactyly. Last evaluated: 2021-12-18. Review status: criteria provided, single submitter. Criteria: Invitae Variant Classification Sherloc (09022015). Collection method: clinical testing. Allele origin: germline.
Comment: This sequence change replaces serine, which is neutral and polar, with phenylalanine, which is neutral and non-polar, at codon 1029 of the WDR60 protein (p.Ser1029Phe). This variant is present in population databases (no rsID available, gnomAD 0.0009%). This variant has not been reported in the literature in individuals affected with WDR60-related conditions. Algorithms developed to predict the effect of missense changes on protein structure and function (SIFT, PolyPhen-2, Align-GVGD) all suggest that this variant is likely to be tolerated. In summary, the available evidence is currently insufficient to determine the role of this variant in disease. Therefore, it has been classified as a Variant of Uncertain Significance.

NM_018051.5(DYNC2I1):c.3086C>T (p.Ser1029Phe)

Gene: DYNC2I1 (dynein 2 intermediate chain 1; plus strand). Cytogenetic location: 7q36.3.
Variant type: single nucleotide variant.
Coding change: c.3086C>T on transcript NM_018051.5 (MANE Select); coding-DNA position 3086, C replaced by T.
Protein change: p.Ser1029Phe; replaces serine 1029 with phenylalanine.
Molecular consequence: missense variant.
Genome position (GRCh38, 1-based): chr7:158,945,664, C>T. VCF-style: chr7-158945664-C-T. GRCh37 (hg19) VCF-style: chr7-158738355-C-T.
Other names: c.2948C>T, p.Ser983Phe (NM_001350914.2); c.2513C>T, p.Ser838Phe (NM_001350915.2); c.1625C>T, p.Ser542Phe (NM_001350916.2); c.1838C>T, p.Ser613Phe (NM_001350917.2, NM_001350918.2); short protein forms S1029F, S542F, S613F, S838F, S983F.
Identifiers: ClinVar variation 1680734 (VCV001680734.6), dbSNP rs1331796469, ClinGen allele CA370192940.
Genomic context (GRCh38, chr7:158,945,664, plus strand): 5'-GTGAGCCTGAGAAGGCTGGTGGCAGCTTCCTGGCCCTGGTGCTGGCCAGGGCGTCTGGCT[C>T]CATCGACATCCAGCACCTGAAGAGGCGGTGGGCGGCCCCGGAGGTGGACGAGTGCAACAG-3'
Protein context (NP_060521.4, residues 1019-1039): LALVLARASG[Ser1029Phe]IDIQHLKRRW